The following is an entry in ClinVar:

NM_003967.3(TAAR5):c.583C>A (p.Leu195Met)

Gene: TAAR5 (trace amine associated receptor 5; minus strand). Cytogenetic location: 6q23.2.
Variant type: single nucleotide variant.
Coding change: c.583C>A on transcript NM_003967.3 (MANE Select); coding-DNA position 583, C replaced by A.
Protein change: p.Leu195Met; replaces leucine 195 with methionine.
Molecular consequence: missense variant.
Genome position (GRCh38, 1-based): chr6:132,589,104, G>T on the plus strand (C>A on the coding strand, the complement: TAAR5 is on the minus strand). VCF-style: chr6-132589104-G-T. GRCh37 (hg19) VCF-style: chr6-132910243-G-T.
Other names: c.583C>A, p.Leu195Met (NM_001389527.1); short protein forms L195M.
Identifiers: ClinVar variation 2656916 (VCV002656916.24), dbSNP rs142528485, ClinGen allele CA4004692.

ClinVar aggregate classification (germline): Likely benign (1 of 4 stars; one submission).

Allele frequency attached by ClinVar (database versions not stated): 1000 Genomes Project 30x 0.00109; 1000 Genomes Project 0.00120; ExAC 0.00430; TOPMed 0.00441; ESP Exome Variant Server 0.00477.
gnomAD v4.1: 8,920 of 1,613,932 alleles (0.55%); highest among the groups gnomAD compares: Non-Finnish European, 0.64%; 34 homozygotes.

Submission:

CeGaT Center for Human Genetics Tuebingen
Classification: Likely benign. Last evaluated: 2023-02-01. Review status: criteria provided, single submitter. Criteria: CeGaT Center For Human Genetics Tuebingen Variant Classification Criteria Version 2. Collection method: clinical testing. Allele origin: germline. Affected: yes. Observed: 1 variant allele.
Comment: TAAR5: BP4, BS2